The following is an entry in ClinVar:

NM_000501.4(ELN):c.1168G>T (p.Gly390Ter)

Gene: ELN (elastin; plus strand). Cytogenetic location: 7q11.23.
Variant type: single nucleotide variant.
Coding change: c.1168G>T on transcript NM_000501.4 (MANE Select); coding-DNA position 1168, G replaced by T.
Protein change: p.Gly390Ter; replaces glycine 390 with a stop codon.
Molecular consequence: nonsense.
Genome position (GRCh38, 1-based): chr7:74,056,288, G>T. VCF-style: chr7-74056288-G-T. GRCh37 (hg19) VCF-style: chr7-73470618-G-T.
Other names: c.1138G>T, p.Gly380Ter (NM_001081752.3, NM_001278917.2); c.1183G>T, p.Gly395Ter (NM_001081753.3, NM_001081754.3); c.1168G>T, p.Gly390Ter (NM_001081755.3, NM_001278912.2, NM_001278915.2 and 1 more transcripts); c.1060G>T, p.Gly354Ter (NM_001278913.2); c.1153G>T, p.Gly385Ter (NM_001278914.2); c.1126G>T, p.Gly376Ter (NM_001278916.2); c.1036G>T, p.Gly346Ter (NM_001278918.2); short protein forms G346*, G380*, G385*, G390*, G395*, G354*, G376*.
Identifiers: ClinVar variation 1445727 (VCV001445727.6), dbSNP rs372889752, ClinGen allele CA367881616.

ClinVar aggregate classification (germline): Pathogenic (1 of 4 stars; one submission).

Conditions:
Supravalvar aortic stenosis (SVAS). Also called: Supravalvar aortic stenosis, Eisenberg type. Identifiers: Orphanet 3193, MedGen C0003499, MONDO:0008504, OMIM 185500, HP:0004381.

Submission:

Labcorp Genetics (formerly Invitae), Labcorp
Classification: Pathogenic for Supravalvar aortic stenosis. Last evaluated: 2021-03-16. Review status: criteria provided, single submitter. Criteria: Invitae Variant Classification Sherloc (09022015). Collection method: clinical testing. Allele origin: germline.
Comment: For these reasons, this variant has been classified as Pathogenic. This variant has not been reported in the literature in individuals with ELN-related conditions. This variant is not present in population databases (ExAC no frequency). This sequence change creates a premature translational stop signal (p.Gly390*) in the ELN gene. It is expected to result in an absent or disrupted protein product. Loss-of-function variants in ELN are known to be pathogenic (PMID: 11175284).

Literature cited by the submitters: PubMed 11175284.